The following is an entry in ClinVar:

ClinVar aggregate classification (germline): Uncertain significance (1 of 4 stars; one submission).

Conditions:
Familial Mediterranean fever (FMF). Also called: POLYSEROSITIS, FAMILIAL PAROXYSMAL; POLYSEROSITIS, RECURRENT; Periodic peritonitis; Benign paroxysmal peritonitis. Identifiers: Orphanet 342, MedGen C0031069, MONDO:0018088, OMIM 249100. Disease mechanism: gain of function.

Allele frequency attached by ClinVar (database versions not stated): gnomAD exomes below 0.00001.

Submission:

Labcorp Genetics (formerly Invitae), Labcorp
Classification: Uncertain significance for Familial Mediterranean fever. Last evaluated: 2018-02-14. Review status: criteria provided, single submitter. Criteria: Invitae Variant Classification Sherloc (09022015). Collection method: clinical testing. Allele origin: germline.
Comment: In summary, the available evidence is currently insufficient to determine the role of this variant in disease. Therefore, it has been classified as a Variant of Uncertain Significance. Algorithms developed to predict the effect of missense changes on protein structure and function (SIFT, PolyPhen-2, Align-GVGD) all suggest that this variant is likely to be tolerated, but these predictions have not been confirmed by published functional studies and their clinical significance is uncertain. This variant has not been reported in the literature in individuals with MEFV-related disease. This variant is not present in population databases (ExAC no frequency). This sequence change replaces lysine with glutamic acid at codon 114 of the MEFV protein (p.Lys114Glu). The lysine residue is moderately conserved and there is a small physicochemical difference between lysine and glutamic acid.

NM_000243.3(MEFV):c.340A>G (p.Lys114Glu)

Gene: MEFV (MEFV innate immunity regulator, pyrin; minus strand). Cytogenetic location: 16p13.3.
Variant type: single nucleotide variant.
Coding change: c.340A>G on transcript NM_000243.3 (MANE Select); coding-DNA position 340, A replaced by G.
Protein change: p.Lys114Glu; replaces lysine 114 with glutamic acid.
Molecular consequence: missense variant. On other transcripts: intron variant (1).
Genome position (GRCh38, 1-based): chr16:3,254,728, T>C on the plus strand (A>G on the coding strand, the complement: MEFV is on the minus strand). VCF-style: chr16-3254728-T-C. GRCh37 (hg19) VCF-style: chr16-3304728-T-C.
Other names: c.277+1583A>G (NM_001198536.2); short protein forms K114E.
Identifiers: ClinVar variation 572724 (VCV000572724.8), dbSNP rs1252844849, ClinGen allele CA394482301.